The following is an entry in ClinVar:

ClinVar aggregate classification (germline): Uncertain significance (1 of 4 stars; one submission).

Conditions:
Larsen-like syndrome, B3GAT3 type. Also called: Multiple joint dislocations, short stature, craniofacial dysmorphism, with or without congenital heart defects; MULTIPLE JOINT DISLOCATIONS, SHORT STATURE, AND CRANIOFACIAL DYSMORPHISM WITH OR WITHOUT CONGENITAL HEART DEFECTS. Identifiers: Orphanet 284139, MedGen CN034159, MONDO:0009511, OMIM 245600.

Submission:

Labcorp Genetics (formerly Invitae), Labcorp
Classification: Uncertain significance for Larsen-like syndrome, B3GAT3 type. Last evaluated: 2021-07-17. Review status: criteria provided, single submitter. Criteria: Invitae Variant Classification Sherloc (09022015). Collection method: clinical testing. Allele origin: germline.
Comment: This variant is not present in population databases (ExAC no frequency). In summary, the available evidence is currently insufficient to determine the role of this variant in disease. Therefore, it has been classified as a Variant of Uncertain Significance. Algorithms developed to predict the effect of missense changes on protein structure and function are either unavailable or do not agree on the potential impact of this missense change (SIFT: "Deleterious"; PolyPhen-2: "Probably Damaging"; Align-GVGD: "Class C0"). This variant has not been reported in the literature in individuals affected with B3GAT3-related conditions. This sequence change replaces proline with serine at codon 229 of the B3GAT3 protein (p.Pro229Ser). The proline residue is highly conserved and there is a moderate physicochemical difference between proline and serine.

NM_012200.4(B3GAT3):c.685C>T (p.Pro229Ser)

Gene: B3GAT3 (beta-1,3-glucuronyltransferase 3; minus strand). Cytogenetic location: 11q12.3.
Variant type: single nucleotide variant.
Coding change: c.685C>T on transcript NM_012200.4 (MANE Select); coding-DNA position 685, C replaced by T.
Protein change: p.Pro229Ser; replaces proline 229 with serine.
Molecular consequence: missense variant. On other transcripts: non-coding transcript variant (1).
Genome position (GRCh38, 1-based): chr11:62,616,730, G>A on the plus strand (C>T on the coding strand, the complement: B3GAT3 is on the minus strand). VCF-style: chr11-62616730-G-A. GRCh37 (hg19) VCF-style: chr11-62384202-G-A.
Other names: c.664C>T, p.Pro222Ser (NM_001288721.2); c.685C>T, p.Pro229Ser (NM_001288722.2, NM_001288723.2); short protein forms P222S, P229S.
Identifiers: ClinVar variation 1508624 (VCV001508624.8), dbSNP rs2134429010, ClinGen allele CA380976171.